The following is an entry in ClinVar:

ClinVar aggregate classification (germline): Uncertain significance. Review status: criteria provided, multiple submitters, no conflicts (2 of 4 stars). 3 submissions from 3 submitters: Uncertain significance (3). Last evaluated 2022-06-15.

Conditions:
Familial hypokalemia-hypomagnesemia (GTLMNS). Also called: HYPOMAGNESEMIA-HYPOKALEMIA, PRIMARY RENOTUBULAR, WITH HYPOCALCIURIA; POTASSIUM AND MAGNESIUM DEPLETION; gitelman syndrome. Identifiers: Orphanet 358, MedGen C0268450, MONDO:0009904, OMIM 263800.

Allele frequency attached by ClinVar (database versions not stated): gnomAD exomes 0.00001; TOPMed 0.00003; ExAC 0.00001; gnomAD 0.00004.
gnomAD v4.1: 20 of 1,613,882 alleles (0.0012%); highest among the groups gnomAD compares: Non-Finnish European, 0.0015%; no homozygotes.

Submissions (3):

Labcorp Genetics (formerly Invitae), Labcorp
Classification: Uncertain significance. Last evaluated: 2022-06-15. Review status: criteria provided, single submitter. Criteria: Invitae Variant Classification Sherloc (09022015). Collection method: clinical testing. Allele origin: germline.
Comment: This sequence change replaces methionine, which is neutral and non-polar, with threonine, which is neutral and polar, at codon 881 of the SLC12A3 protein (p.Met881Thr). This variant is present in population databases (rs752124879, gnomAD 0.003%). This missense change has been observed in individual(s) with Gitelman syndrome (PMID: 22009145). ClinVar contains an entry for this variant (Variation ID: 885394). Advanced modeling of protein sequence and biophysical properties (such as structural, functional, and spatial information, amino acid conservation, physicochemical variation, residue mobility, and thermodynamic stability) performed at Invitae indicates that this missense variant is not expected to disrupt SLC12A3 protein function. In summary, the available evidence is currently insufficient to determine the role of this variant in disease. Therefore, it has been classified as a Variant of Uncertain Significance.

Fulgent Genetics
Classification: Uncertain significance for Familial hypokalemia-hypomagnesemia. Last evaluated: 2022-03-14. Review status: criteria provided, single submitter. Criteria: ACMG Guidelines, 2015. Collection method: clinical testing. Allele origin: unknown.

Illumina Laboratory Services, Illumina
Classification: Uncertain significance for Familial hypokalemia-hypomagnesemia. Last evaluated: 2017-04-27. Review status: criteria provided, single submitter. Criteria: ICSL Variant Classification Criteria 13 December 2019. Collection method: clinical testing. Allele origin: germline.
Comment: This variant was observed as part of a predisposition screen in an ostensibly healthy population. A literature search was performed for the gene, cDNA change, and amino acid change (where applicable). Publications were found based on this search. However, the evidence from the literature, in combination with allele frequency data from public databases where available, was not sufficient to rule this variant in or out of causing disease. Therefore, this variant is classified as a variant of unknown significance.

Literature cited by the submitters: PubMed 22009145 (cited by Labcorp Genetics (formerly Invitae), Labcorp and Illumina Laboratory Services, Illumina).

NM_001126108.2(SLC12A3):c.2615T>C (p.Met872Thr)

Gene: SLC12A3 (solute carrier family 12 member 3; plus strand). Cytogenetic location: 16q13.
Variant type: single nucleotide variant.
Coding change: c.2615T>C on transcript NM_001126108.2 (MANE Select); coding-DNA position 2615, T replaced by C.
Protein change: p.Met872Thr; replaces methionine 872 with threonine.
Molecular consequence: missense variant.
Genome position (GRCh38, 1-based): chr16:56,894,624, T>C. VCF-style: chr16-56894624-T-C. GRCh37 (hg19) VCF-style: chr16-56928536-T-C.
Other names: c.2642T>C, p.Met881Thr (NM_000339.3); c.2639T>C, p.Met880Thr (NM_001126107.2); short protein forms M872T, M880T, M881T.
Identifiers: ClinVar variation 885394 (VCV000885394.6), dbSNP rs752124879, ClinGen allele CA8069983.